The following is an entry in ClinVar:

NM_020949.3(SLC7A14):c.88A>G (p.Lys30Glu)

Genes: SLC7A14 (solute carrier family 7 member 14; minus strand), SLC7A14-AS1 (SLC7A14 antisense RNA 1; plus strand). Cytogenetic location: 3q26.2.
Variant type: single nucleotide variant.
Coding change: c.88A>G on transcript NM_020949.3 (MANE Select); coding-DNA position 88, A replaced by G.
Protein change: p.Lys30Glu; replaces lysine 30 with glutamic acid.
Molecular consequence: missense variant.
Genome position (GRCh38, 1-based): chr3:170,526,849, T>C on the plus strand (A>G on the coding strand, the complement: SLC7A14 is on the minus strand). VCF-style: chr3-170526849-T-C. GRCh37 (hg19) VCF-style: chr3-170244638-T-C.
Other names: short protein forms K30E.
Identifiers: ClinVar variation 1720792 (VCV001720792.5), dbSNP rs1410417489, ClinGen allele CA355520251.

ClinVar aggregate classification (germline): Uncertain significance (1 of 4 stars; one submission).

gnomAD v4.1: 1 of 1,614,158 alleles (0.000062%); highest among the groups gnomAD compares: East Asian, 0.0022%; no homozygotes.

Submission:

Labcorp Genetics (formerly Invitae), Labcorp
Classification: Uncertain significance. Last evaluated: 2022-10-01. Review status: criteria provided, single submitter. Criteria: Invitae Variant Classification Sherloc (09022015). Collection method: clinical testing. Allele origin: germline.
Comment: Algorithms developed to predict the effect of missense changes on protein structure and function are either unavailable or do not agree on the potential impact of this missense change (SIFT: "Deleterious"; PolyPhen-2: "Probably Damaging"; Align-GVGD: "Class C0"). This variant has not been reported in the literature in individuals affected with SLC7A14-related conditions. This variant is present in population databases (no rsID available, gnomAD 0.006%). This sequence change replaces lysine, which is basic and polar, with glutamic acid, which is acidic and polar, at codon 30 of the SLC7A14 protein (p.Lys30Glu). In summary, the available evidence is currently insufficient to determine the role of this variant in disease. Therefore, it has been classified as a Variant of Uncertain Significance.